The following is an entry in ClinVar:

NM_007294.4(BRCA1):c.5277G>A (p.Lys1759=)

Gene: BRCA1 (BRCA1 DNA repair associated; minus strand). Cytogenetic location: 17q21.31.
Variant type: single nucleotide variant.
Coding change: c.5277G>A on transcript NM_007294.4 (MANE Select); coding-DNA position 5277, G replaced by A.
Protein change: p.Lys1759=; no amino-acid change (lysine 1759 retained).
Molecular consequence: synonymous variant.
Genome position (GRCh38, 1-based): chr17:43,057,052, C>T on the plus strand (G>A on the coding strand, the complement: BRCA1 is on the minus strand). VCF-style: chr17-43057052-C-T. GRCh37 (hg19) VCF-style: chr17-41209069-C-T.
Other names: K1759K; c.1827G>A, p.Lys609= (NM_001408453.1, NM_001408454.1, NM_001408455.1 and 3 more transcripts); c.1824G>A, p.Lys608= (NM_001408458.1, NM_001408459.1, NM_001408460.1 and 7 more transcripts); c.1821G>A, p.Lys607= (NM_001408468.1, NM_001408469.1, NM_001408470.1); c.1965G>A, p.Lys655= (NM_001408472.1, NM_007298.4, NM_007299.4 and 13 more transcripts); c.1962G>A, p.Lys654= (NM_001408473.1, NM_001408392.1, NM_001408396.1 and 8 more transcripts); c.1767G>A, p.Lys589= (NM_001408474.1); c.1764G>A, p.Lys588= (NM_001408475.1, NM_001408476.1); and 73 more.
Identifiers: ClinVar variation 55499 (VCV000055499.10), dbSNP rs80356854, ClinGen allele CA003430.
Genomic context (GRCh38, chr17:43,057,052, plus strand): 5'-GGGAGTGGAATACAGAGTGGTGGGGTGAGATTTTTGTCAACTTGAGGGAGGGAGCTTTAC[C>T]TTTCTGTCCTGGGATTCTCTTGCTCGCTTTGGACCTTGGTGGTTTCTTCCATTGACCACA-3'
Protein context (NP_009225.1, residues 1749-1769): PKRARESQDR[Lys1759=]IFRGLEICCY

ClinVar aggregate classification (germline): Conflicting classifications of pathogenicity. Review status: criteria provided, conflicting classifications (1 of 4 stars). 3 submissions from 3 submitters: Pathogenic (1); Uncertain significance (1). 1 of the submissions does not count toward it. Last evaluated 2016-06-16.

Conditions:
Hereditary cancer-predisposing syndrome. Also called: Hereditary Cancer Syndrome; Hereditary neoplastic syndrome; Neoplastic Syndromes, Hereditary; Tumor predisposition. Identifiers: Orphanet 140162, MedGen C0027672, MeSH D009386, MONDO:0015356.
Breast-ovarian cancer, familial, susceptibility to, 1 (BROVCA1). Also called: BRCA1 Hereditary Breast and Ovarian Cancer; OVARIAN CANCER, SUSCEPTIBILITY TO. Identifiers: Orphanet 145, MedGen C2676676, MONDO:0011450, OMIM 604370. Disease mechanism: loss of function.

Allele frequency attached by ClinVar (database versions not stated): ExAC 0.00001; gnomAD exomes 0.00001.
gnomAD v4.1: 6 of 1,613,962 alleles (0.00037%); highest among the groups gnomAD compares: South Asian, 0.0066%; no homozygotes.

Submissions (4):

Ambry Genetics
Classification: Uncertain significance for Hereditary cancer-predisposing syndrome. Last evaluated: 2016-06-16. Review status: criteria provided, single submitter. Criteria: Ambry Variant Classification Scheme 2023. Collection method: clinical testing. Allele origin: germline.
Comment: The c.5277G>A variant (also known as p.K1759K), located in coding exon 18 of the BRCA1 gene, results from a G to A substitution at nucleotide position 5277. This nucleotide substitution does not change the at codon 1759. However, this change occurs in the last base pair of coding exon 18, which makes it likely to have some effect on normal mRNA splicing. However, one functional study found that this nucleotide substitution is tolerated in a high throughput genome editing haploid cell survival assay (Findlay GM et al. Nature, 2018 10;562:217-222). This nucleotide position is highly conserved in available vertebrate species. Using two different splice site prediction tools, this alteration is predicted by BDGP to abolish the native splice donor site, but is predicted to weaken (but not abolish) the efficiency of the native splice donor site by ESEfinder; however, direct evidence is unavailable

Consortium of Investigators of Modifiers of BRCA1/2 (CIMBA), c/o University of Cambridge
Classification: Pathogenic for Breast-ovarian cancer, familial, susceptibility to, 1. Last evaluated: 2015-10-02. Review status: criteria provided, single submitter. Criteria: CIMBA Mutation Classification guidelines May 2016. Collection method: clinical testing. Allele origin: germline.

Breast Cancer Information Core (BIC) (BRCA1)
Classification: Pathogenic for Breast-ovarian cancer, familial 1. Last evaluated: 1997-11-14. Review status: no assertion criteria provided. Collection method: clinical testing. Allele origin: germline. Affected: yes. Observed: 2 variant alleles. Not counted in ClinVar's aggregate classification.

Brotman Baty Institute, University of Washington
No classification provided (evidence only). Condition: Breast-ovarian cancer, familial 1. Review status: no classification provided. Collection method: in vitro. Allele origin: not applicable. Functional consequence: functionally_normal. Not counted in ClinVar's aggregate classification.
ClinVar note: "not provided" was previously submitted as the classification for the variant. However, the classification appeared to be based only on an observation of functional data so it was converted to no classification on 2025-07-30.

Literature cited by the submitters: PubMed 30209399 (cited by Ambry Genetics).